The following is an entry in ClinVar:

ClinVar aggregate classification (germline): Benign/Likely benign. Review status: criteria provided, multiple submitters, no conflicts (2 of 4 stars). 6 submissions from 6 submitters: Benign (2); Likely benign (3). 1 of the submissions does not count toward it. Last evaluated 2025-12-02.

Conditions:
MYLK-related disorder. Also called: MYLK-related condition.
Familial thoracic aortic aneurysm and aortic dissection (TAAD). Also called: Thoracic aortic aneurysms and dissections. Identifiers: Orphanet 91387, MedGen C4707243, MONDO:0019625.
Aortic aneurysm, familial thoracic 7 (AAT7). Also called: AORTIC DISSECTION, FAMILIAL, WITH OR WITHOUT AORTIC ANEURYSM. Identifiers: MedGen C3151077, MONDO:0013418, OMIM 613780.

Submissions (6):

Labcorp Genetics (formerly Invitae), Labcorp
Classification: Benign for Aortic aneurysm, familial thoracic 7. Last evaluated: 2025-12-02. Review status: criteria provided, single submitter. Criteria: Invitae Variant Classification Sherloc (09022015). Collection method: clinical testing. Allele origin: germline.

Women's Health and Genetics/Laboratory Corporation of America, LabCorp
Classification: Benign. Last evaluated: 2024-08-03. Review status: criteria provided, single submitter. Criteria: LabCorp Variant Classification Summary - May 2015. Collection method: clinical testing. Allele origin: germline.

Blueprint Genetics
Classification: Likely benign. Last evaluated: 2024-04-19. Review status: criteria provided, single submitter. Criteria: ACMG Guidelines, 2015. Collection method: clinical testing. Allele origin: germline.

Ambry Genetics
Classification: Likely benign for Familial thoracic aortic aneurysm and aortic dissection. Last evaluated: 2018-08-08. Review status: criteria provided, single submitter. Criteria: Ambry Variant Classification Scheme 2023. Collection method: clinical testing. Allele origin: germline.

Eurofins Ntd Llc (ga)
Classification: Likely benign. Last evaluated: 2018-06-06. Review status: criteria provided, single submitter. Criteria: EGL ClinVar v180209 classification definitions. Collection method: clinical testing. Allele origin: germline. Observed: 1 variant allele, 1 heterozygote.

PreventionGenetics, part of Exact Sciences
Classification: Likely benign for MYLK-related condition. Last evaluated: 2019-08-07. Review status: no assertion criteria provided. Collection method: clinical testing. Allele origin: germline. Not counted in ClinVar's aggregate classification.
Comment: This variant is classified as likely benign based on ACMG/AMP sequence variant interpretation guidelines (Richards et al. 2015 PMID: 25741868, with internal and published modifications).

NM_053025.4(MYLK):c.4289-10_4289-9dup

Gene: MYLK (myosin light chain kinase; minus strand). Cytogenetic location: 3q21.1.
Variant type: Duplication.
Coding change: c.4289-10_4289-9dup on transcript NM_053025.4 (MANE Select); 10 bases into the intron before coding-DNA position 4289 through 9 bases into the intron before coding-DNA position 4289, 2 bases duplicated (CC; older notation c.4289-10_4289-9dupCC).
Molecular consequence: intron variant.
Genome position (GRCh38, 1-based): chr3:123,649,197-123,649,198, GG duplicated on the plus strand (CC on the coding strand, the reverse complement: MYLK is on the minus strand); duplicating any 2 consecutive bases within chr3:123,649,197-123,649,204 gives the same sequence; the c. name uses the placement nearest the transcript's 3' end. VCF-style (leftmost placement, unchanged base first): chr3-123649196-T-TGG. GRCh37 (hg19) VCF-style: chr3-123368043-T-TGG.
Other names: c.4289-4_4289-3dupCC (NM_053025.4); c.3761-10_3761-9dup (NM_001321309.2); c.4082-10_4082-9dup (NM_053028.4, NM_053026.4); c.4289-10_4289-9dup (NM_053027.4); c.4289-4_4289-3dup (NM_053025.3).
Identifiers: ClinVar variation 471730 (VCV000471730.21), dbSNP rs41431347, ClinGen allele CA2577954.